The following is an entry in ClinVar:

NM_000152.5(GAA):c.1607A>G (p.Asn536Ser)

Gene: GAA (alpha glucosidase; plus strand). Cytogenetic location: 17q25.3.
Variant type: single nucleotide variant.
Coding change: c.1607A>G on transcript NM_000152.5 (MANE Select); coding-DNA position 1607, A replaced by G.
Protein change: p.Asn536Ser; replaces asparagine 536 with serine.
Molecular consequence: missense variant.
Genome position (GRCh38, 1-based): chr17:80,110,996, A>G. VCF-style: chr17-80110996-A-G. GRCh37 (hg19) VCF-style: chr17-78084795-A-G.
Other names: c.1607A>G, p.Asn536Ser (NM_001079803.3, NM_001079804.3); c.1607A>G (LRG_673t1); short protein forms N536S.
Identifiers: ClinVar variation 287414 (VCV000287414.22), dbSNP rs368568190, ClinGen allele CA8815390.

ClinVar aggregate classification (germline): Uncertain significance. Review status: criteria provided, multiple submitters, no conflicts (2 of 4 stars). 8 submissions from 8 submitters: Uncertain significance (7). 1 of the submissions does not count toward it. Last evaluated 2026-07-01.

Conditions:
Glycogen storage disease, type II (IOPD). Also called: CARDIOMEGALIA GLYCOGENICA DIFFUSA; Glycogen storage disease type 2; Acid maltase deficiency disease; Aglucosidase alfa; Deficiency of alpha-glucosidase; Deficiency of lysosomal alpha-glucosidase. Identifiers: Orphanet 365, MedGen C0017921, MONDO:0009290, OMIM 232300.

Allele frequency attached by ClinVar (database versions not stated): gnomAD 0.00001 and 0.00003; gnomAD exomes 0.00001; ExAC 0.00002; TOPMed 0.00006; ESP Exome Variant Server 0.00008.
gnomAD v4.1: 21 of 1,613,702 alleles (0.0013%); highest among the groups gnomAD compares: Middle Eastern, 0.016%; no homozygotes.

Submissions (9):

Genomenon, Inc
Classification: Uncertain significance for Glycogen storage disease, type II. Last evaluated: 2026-07-01. Review status: criteria provided, single submitter. Criteria: Genomenon Sequence Variant Interpretation Standards - Updated. Collection method: curation. Allele origin: germline. Affected: no.
Comment: GAA p.Asn536Ser (c.1607A>G) is a missense variant that changes the amino acid at codon 536 from Asparagine to Serine. This variant has been reported in the published literature (PMID:30281819). It is absent or not present at a significant frequency in gnomAD. In silico models predict that this variant is not damaging. In conclusion, we classify GAA p.Asn536Ser (c.1607A>G) as a variant of uncertain significance.

Dasa
Classification: Uncertain significance. Last evaluated: 2025-08-04. Review status: criteria provided, single submitter. Criteria: DASA Assertion Criteria. Collection method: clinical testing. Allele origin: germline.
Comment: NM_000152.5(GAA):c.1607A>G (p.Asn536Ser) is a missense variant that results in the substitution of asparagine with serine. This variant is rare in population databases. Computational prediction algorithms are consistent with a benign effect. The currently available literature and clinical evidence are not sufficient to establish a definitive association between this variant and the reported condition. Therefore, this variant is classified as a variant of uncertain significance.

Labcorp Genetics (formerly Invitae), Labcorp
Classification: Uncertain significance for Glycogen storage disease, type II. Last evaluated: 2024-10-15. Review status: criteria provided, single submitter. Criteria: Invitae Variant Classification Sherloc (09022015). Collection method: clinical testing. Allele origin: germline.
Comment: This sequence change replaces asparagine, which is neutral and polar, with serine, which is neutral and polar, at codon 536 of the GAA protein (p.Asn536Ser). This variant is present in population databases (rs368568190, gnomAD 0.002%). This variant has not been reported in the literature in individuals affected with GAA-related conditions. ClinVar contains an entry for this variant (Variation ID: 287414). Invitae Evidence Modeling of protein sequence and biophysical properties (such as structural, functional, and spatial information, amino acid conservation, physicochemical variation, residue mobility, and thermodynamic stability) indicates that this missense variant is not expected to disrupt GAA protein function with a negative predictive value of 95%. Algorithms developed to predict the effect of sequence changes on RNA splicing suggest that this variant may create or strengthen a splice site. In summary, the available evidence is currently insufficient to determine the role of this variant in disease. Therefore, it has been classified as a Variant of Uncertain Significance.

Blueprint Genetics
Classification: Uncertain significance. Last evaluated: 2023-05-03. Review status: criteria provided, single submitter. Criteria: ACMG Guidelines, 2015. Collection method: clinical testing. Allele origin: germline.

Genome-Nilou Lab
Classification: Uncertain significance for Glycogen storage disease, type II. Last evaluated: 2021-09-05. Review status: criteria provided, single submitter. Criteria: ACMG Guidelines, 2015. Collection method: clinical testing. Allele origin: germline. Affected: no.

Mayo Clinic Laboratories, Mayo Clinic
Classification: Uncertain significance. Last evaluated: 2021-01-27. Review status: criteria provided, single submitter. Criteria: ACMG Guidelines, 2015. Collection method: clinical testing. Allele origin: germline. Observed: 1 variant allele.

Eurofins Ntd Llc (ga)
Classification: Uncertain significance. Last evaluated: 2016-05-09. Review status: criteria provided, single submitter. Criteria: EGL Classification Definitions 2015. Collection method: clinical testing. Allele origin: germline. Observed: 1 variant allele, 1 heterozygote.

Natera, Inc.
Classification: Uncertain significance for Glycogen storage disease type II. Last evaluated: 2020-01-31. Review status: no assertion criteria provided. Collection method: clinical testing. Allele origin: germline. Not counted in ClinVar's aggregate classification.

Dr. Peter K. Rogan Lab, Western University
No classification provided (evidence only). Condition: Gastric cancer. Review status: no classification provided. Collection method: in vitro. Allele origin: not applicable. Functional consequence: retained intron. Not counted in ClinVar's aggregate classification.

Literature cited by the submitters: PubMed 30281819 (cited by Genomenon, Inc).